The following is an entry in ClinVar:

NM_000238.4(KCNH2):c.494T>A (p.Leu165Gln)

Gene: KCNH2 (potassium voltage-gated channel subfamily H member 2; minus strand). Cytogenetic location: 7q36.1.
Variant type: single nucleotide variant.
Coding change: c.494T>A on transcript NM_000238.4 (MANE Select); coding-DNA position 494, T replaced by A.
Protein change: p.Leu165Gln; replaces leucine 165 with glutamine.
Molecular consequence: missense variant.
Genome position (GRCh38, 1-based): chr7:150,958,481, A>T on the plus strand (T>A on the coding strand, the complement: KCNH2 is on the minus strand). VCF-style: chr7-150958481-A-T. GRCh37 (hg19) VCF-style: chr7-150655569-A-T.
Other names: c.206T>A, p.Leu69Gln (NM_001406753.1, NM_001406756.1); c.317T>A, p.Leu106Gln (NM_001406755.1); c.194T>A, p.Leu65Gln (NM_001406757.1); c.494T>A, p.Leu165Gln (NM_172056.3); short protein forms L165Q, L69Q, L106Q, L65Q.
Identifiers: ClinVar variation 1998464 (VCV001998464.4), dbSNP rs2486095118, ClinGen allele CA369863534.

ClinVar aggregate classification (germline): Uncertain significance (1 of 4 stars; one submission).

Conditions:
Long QT syndrome (LQTS). Identifiers: MedGen C0023976, MeSH D008133, MONDO:0002442. Disease mechanism: loss of function. Inheritance: Various modes of inheritance.

Submission:

Labcorp Genetics (formerly Invitae), Labcorp
Classification: Uncertain significance for Long QT syndrome. Last evaluated: 2022-06-28. Review status: criteria provided, single submitter. Criteria: Invitae Variant Classification Sherloc (09022015). Collection method: clinical testing. Allele origin: germline.
Comment: This variant is not present in population databases (gnomAD no frequency). This variant has not been reported in the literature in individuals affected with KCNH2-related conditions. Algorithms developed to predict the effect of missense changes on protein structure and function (SIFT, PolyPhen-2, Align-GVGD) all suggest that this variant is likely to be tolerated. In summary, the available evidence is currently insufficient to determine the role of this variant in disease. Therefore, it has been classified as a Variant of Uncertain Significance. This sequence change replaces leucine, which is neutral and non-polar, with glutamine, which is neutral and polar, at codon 165 of the KCNH2 protein (p.Leu165Gln).